The following is an entry in ClinVar:

ClinVar aggregate classification (germline): Uncertain significance (1 of 4 stars; one submission).

Allele frequency attached by ClinVar (database versions not stated): gnomAD exomes below 0.00001; gnomAD 0.00001.
gnomAD v4.1: 2 of 1,613,866 alleles (0.00012%); highest among the groups gnomAD compares: Non-Finnish European, 0.000085%; no homozygotes.

Submission:

GeneDx
Classification: Uncertain significance. Last evaluated: 2022-04-27. Review status: criteria provided, single submitter. Criteria: GeneDx Variant Classification Process June 2021. Collection method: clinical testing. Allele origin: germline. Affected: yes.
Comment: Not observed at significant frequency in large population cohorts (gnomAD); In silico analysis supports that this missense variant has a deleterious effect on protein structure/function; Has not been previously published as pathogenic or benign to our knowledge

NM_022552.5(DNMT3A):c.2403G>A (p.Met801Ile)

Gene: DNMT3A (DNA methyltransferase 3 alpha; minus strand). Cytogenetic location: 2p23.3.
Variant type: single nucleotide variant.
Coding change: c.2403G>A on transcript NM_022552.5 (MANE Select); coding-DNA position 2403, G replaced by A.
Protein change: p.Met801Ile; replaces methionine 801 with isoleucine.
Molecular consequence: missense variant. On other transcripts: non-coding transcript variant (1).
Genome position (GRCh38, 1-based): chr2:25,239,135, C>T on the plus strand (G>A on the coding strand, the complement: DNMT3A is on the minus strand). VCF-style: chr2-25239135-C-T. GRCh37 (hg19) VCF-style: chr2-25462004-C-T.
Other names: c.1947G>A, p.Met649Ile (NM_001320893.1); c.1734G>A, p.Met578Ile (NM_001375819.1); c.1836G>A, p.Met612Ile (NM_153759.3); c.2403G>A, p.Met801Ile (NM_175629.2); short protein forms M578I, M612I, M649I, M801I.
Identifiers: ClinVar variation 1712653 (VCV001712653.2), dbSNP rs1558656994, ClinGen allele CA346069429.